The following is an entry in ClinVar:

ClinVar aggregate classification (germline): Uncertain significance. Review status: criteria provided, multiple submitters, no conflicts (2 of 4 stars). 3 submissions from 3 submitters: Uncertain significance (3). Last evaluated 2025-11-12.

Conditions:
Inborn genetic diseases. Identifiers: MedGen C0950123, MeSH D030342.
Fanconi anemia (FA). Also called: Fanconi's anemia. Identifiers: Orphanet 84, MedGen C0015625, MeSH D005199, MONDO:0019391.
Fanconi anemia complementation group I (FANCI). Also called: FANCI-Related Fanconi Anemia. Identifiers: Orphanet 84, MedGen C1836861, MONDO:0012186, OMIM 609053.

Allele frequency attached by ClinVar (database versions not stated): ExAC 0.00004; gnomAD exomes 0.00004; ESP Exome Variant Server 0.00008; TOPMed 0.00013; gnomAD 0.00015 and 0.00016.
gnomAD v4.1: 37 of 1,614,000 alleles (0.0023%); highest among the groups gnomAD compares: African/African-American, 0.045%; no homozygotes.

Submissions (3):

Ambry Genetics
Classification: Uncertain significance for Inborn genetic diseases. Last evaluated: 2025-11-12. Review status: criteria provided, single submitter. Criteria: Ambry Variant Classification Scheme 2023. Collection method: clinical testing. Allele origin: germline.

Fulgent Genetics
Classification: Uncertain significance for Fanconi anemia complementation group I. Last evaluated: 2024-05-24. Review status: criteria provided, single submitter. Criteria: ACMG Guidelines, 2015. Collection method: clinical testing. Allele origin: germline.

Labcorp Genetics (formerly Invitae), Labcorp
Classification: Uncertain significance for Fanconi anemia. Last evaluated: 2022-09-19. Review status: criteria provided, single submitter. Criteria: Invitae Variant Classification Sherloc (09022015). Collection method: clinical testing. Allele origin: germline.
Comment: This sequence change replaces leucine, which is neutral and non-polar, with methionine, which is neutral and non-polar, at codon 553 of the FANCI protein (p.Leu553Met). This variant is present in population databases (rs374363189, gnomAD 0.07%). This variant has not been reported in the literature in individuals affected with FANCI-related conditions. ClinVar contains an entry for this variant (Variation ID: 1432454). Advanced modeling of protein sequence and biophysical properties (such as structural, functional, and spatial information, amino acid conservation, physicochemical variation, residue mobility, and thermodynamic stability) performed at Invitae indicates that this missense variant is expected to disrupt FANCI protein function. In summary, the available evidence is currently insufficient to determine the role of this variant in disease. Therefore, it has been classified as a Variant of Uncertain Significance.

NM_001113378.2(FANCI):c.1657C>A (p.Leu553Met)

Gene: FANCI (FA complementation group I; plus strand). Cytogenetic location: 15q26.1.
Variant type: single nucleotide variant.
Coding change: c.1657C>A on transcript NM_001113378.2 (MANE Select); coding-DNA position 1657, C replaced by A.
Protein change: p.Leu553Met; replaces leucine 553 with methionine.
Molecular consequence: missense variant.
Genome position (GRCh38, 1-based): chr15:89,283,209, C>A. VCF-style: chr15-89283209-C-A. GRCh37 (hg19) VCF-style: chr15-89826440-C-A.
Other names: c.1657C>A (NM_001113378.1); c.1378C>A, p.Leu460Met (NM_001376910.1); c.1657C>A, p.Leu553Met (NM_001376911.1, NM_018193.3); short protein forms L460M, L553M.
Identifiers: ClinVar variation 1432454 (VCV001432454.10), dbSNP rs374363189, ClinGen allele CA7723093.
Genomic context (GRCh38, chr15:89,283,209, plus strand): 5'-CGAAAATCTGCAGTTGCTGGGTTTTTGCTGCTCCTGAAGAACTTTAAAGTTTTAGGCAGC[C>A]TGTCATCCTCTCAGTGCAGTCAGTCTCTCAGTGTCAGTCAGGTAAGGATTATTTACGTTA-3'
Protein context (NP_001106849.1, residues 543-563): LLKNFKVLGS[Leu553Met]SSSQCSQSLS